The following is an entry in ClinVar:

NM_080680.3(COL11A2):c.2327G>A (p.Arg776His)

Gene: COL11A2 (collagen type XI alpha 2 chain; minus strand). Cytogenetic location: 6p21.32.
Variant type: single nucleotide variant.
Coding change: c.2327G>A on transcript NM_080680.3 (MANE Select); coding-DNA position 2327, G replaced by A.
Protein change: p.Arg776His; replaces arginine 776 with histidine.
Molecular consequence: missense variant.
Genome position (GRCh38, 1-based): chr6:33,175,623, C>T on the plus strand (G>A on the coding strand, the complement: COL11A2 is on the minus strand). VCF-style: chr6-33175623-C-T. GRCh37 (hg19) VCF-style: chr6-33143400-C-T.
Other names: c.2006G>A, p.Arg669His (NM_080679.3); c.2069G>A, p.Arg690His (NM_080681.3); short protein forms R669H, R690H, R776H.
Identifiers: ClinVar variation 1304928 (VCV001304928.12), dbSNP rs748159740, ClinGen allele CA3750953.

ClinVar aggregate classification (germline): Conflicting classifications of pathogenicity. Review status: criteria provided, conflicting classifications (1 of 4 stars). 4 submissions from 4 submitters: Uncertain significance (2); Likely benign (1). 1 of the submissions does not count toward it. Last evaluated 2025-11-23.

Conditions:
COL11A2-related disorder. Also called: COL11A2-related disorders; COL11A2-related condition.

Allele frequency attached by ClinVar (database versions not stated): TOPMed 0.00004; gnomAD 0.00007.
gnomAD v4.1: 39 of 1,612,826 alleles (0.0024%); highest among the groups gnomAD compares: African/African-American, 0.015%; no homozygotes.

Submissions (4):

Labcorp Genetics (formerly Invitae), Labcorp
Classification: Likely benign. Last evaluated: 2025-11-23. Review status: criteria provided, single submitter. Criteria: Invitae Variant Classification Sherloc (09022015). Collection method: clinical testing. Allele origin: germline.

GeneDx
Classification: Uncertain significance. Last evaluated: 2020-01-14. Review status: criteria provided, single submitter. Criteria: GeneDx Variant Classification Process June 2021. Collection method: clinical testing. Allele origin: germline. Affected: yes.
Comment: In silico analysis, which includes protein predictors and evolutionary conservation, supports a deleterious effect; Has not been previously published as pathogenic or benign to our knowledge

Blueprint Genetics
Classification: Uncertain significance. Last evaluated: 2019-10-09. Review status: criteria provided, single submitter. Criteria: ACMG Guidelines, 2015. Collection method: clinical testing. Allele origin: germline.

PreventionGenetics, part of Exact Sciences
Classification: Uncertain significance for COL11A2-related condition. Last evaluated: 2023-10-18. Review status: no assertion criteria provided. Collection method: clinical testing. Allele origin: germline. Not counted in ClinVar's aggregate classification.
Comment: The COL11A2 c.2327G>A variant is predicted to result in the amino acid substitution p.Arg776His. To our knowledge, this variant has not been reported in the literature. This variant is reported in 0.013% of alleles in individuals of African descent in gnomAD. At this time, the clinical significance of this variant is uncertain due to the absence of conclusive functional and genetic evidence.